The following is an entry in ClinVar:

NM_000548.5(TSC2):c.3533A>G (p.Gln1178Arg)

Gene: TSC2 (TSC complex subunit 2; plus strand). Cytogenetic location: 16p13.3.
Variant type: single nucleotide variant.
Coding change: c.3533A>G on transcript NM_000548.5 (MANE Select); coding-DNA position 3533, A replaced by G.
Protein change: p.Gln1178Arg; replaces glutamine 1178 with arginine.
Molecular consequence: missense variant.
Genome position (GRCh38, 1-based): chr16:2,080,300, A>G. VCF-style: chr16-2080300-A-G. GRCh37 (hg19) VCF-style: chr16-2130301-A-G.
Other names: c.3401A>G, p.Gln1134Arg (NM_001077183.3, NM_001370404.1); c.3533A>G, p.Gln1178Arg (NM_001114382.3); c.3293A>G, p.Gln1098Arg (NM_001318827.2); c.3257A>G, p.Gln1086Arg (NM_001318829.2); c.2801A>G, p.Gln934Arg (NM_001318831.2); c.3434A>G, p.Gln1145Arg (NM_001318832.2); c.3404A>G, p.Gln1135Arg (NM_001363528.2, NM_001370405.1, NM_021055.3); short protein forms Q1145R, Q1178R, Q934R, Q1098R, Q1134R, Q1086R, Q1135R.
Identifiers: ClinVar variation 1357946 (VCV001357946.8), dbSNP rs2151460233, ClinGen allele CA394289417.

ClinVar aggregate classification (germline): Uncertain significance (1 of 4 stars; one submission).

Conditions:
Tuberous sclerosis 2 (TSC2). Identifiers: Orphanet 805, MedGen C1860707, MONDO:0013199, OMIM 613254.

Submission:

Labcorp Genetics (formerly Invitae), Labcorp
Classification: Uncertain significance for Tuberous sclerosis 2. Last evaluated: 2023-07-10. Review status: criteria provided, single submitter. Criteria: Invitae Variant Classification Sherloc (09022015). Collection method: clinical testing. Allele origin: germline.
Comment: Advanced modeling of protein sequence and biophysical properties (such as structural, functional, and spatial information, amino acid conservation, physicochemical variation, residue mobility, and thermodynamic stability) performed at Invitae indicates that this missense variant is not expected to disrupt TSC2 protein function. In summary, the available evidence is currently insufficient to determine the role of this variant in disease. Therefore, it has been classified as a Variant of Uncertain Significance. ClinVar contains an entry for this variant (Variation ID: 1357946). This variant has not been reported in the literature in individuals affected with TSC2-related conditions. This variant is not present in population databases (gnomAD no frequency). This sequence change replaces glutamine, which is neutral and polar, with arginine, which is basic and polar, at codon 1178 of the TSC2 protein (p.Gln1178Arg).